The following is an entry in ClinVar:

NM_032228.6(FAR1):c.229G>C (p.Glu77Gln)

Gene: FAR1 (fatty acyl-CoA reductase 1; plus strand). Cytogenetic location: 11p15.3.
Variant type: single nucleotide variant.
Coding change: c.229G>C on transcript NM_032228.6 (MANE Select); coding-DNA position 229, G replaced by C.
Protein change: p.Glu77Gln; replaces glutamic acid 77 with glutamine.
Molecular consequence: missense variant.
Genome position (GRCh38, 1-based): chr11:13,700,356, G>C. VCF-style: chr11-13700356-G-C. GRCh37 (hg19) VCF-style: chr11-13721903-G-C.
Other names: c.229G>C (NM_032228.5); short protein forms E77Q.
Identifiers: ClinVar variation 2971913 (VCV002971913.4), dbSNP rs774067231, ClinGen allele CA5893277.

ClinVar aggregate classification (germline): Uncertain significance. Review status: criteria provided, multiple submitters, no conflicts (2 of 4 stars). 2 submissions from 2 submitters: Uncertain significance (2). Last evaluated 2026-01-26.

Conditions:
Inborn genetic diseases. Identifiers: MedGen C0950123, MeSH D030342.

Allele frequency attached by ClinVar (database versions not stated): gnomAD 0.00001; ExAC 0.00001; gnomAD exomes 0.00001.
gnomAD v4.1: 9 of 1,593,760 alleles (0.00056%); highest among the groups gnomAD compares: African/African-American, 0.0014%; no homozygotes.

Submissions (2):

Labcorp Genetics (formerly Invitae), Labcorp
Classification: Uncertain significance. Last evaluated: 2026-01-26. Review status: criteria provided, single submitter. Criteria: Invitae Variant Classification Sherloc (09022015). Collection method: clinical testing. Allele origin: germline.
Comment: This sequence change replaces glutamic acid, which is acidic and polar, with glutamine, which is neutral and polar, at codon 77 of the FAR1 protein (p.Glu77Gln). This variant is present in population databases (rs774067231, gnomAD 0.004%). This variant has not been reported in the literature in individuals affected with FAR1-related conditions. ClinVar contains an entry for this variant (Variation ID: 2971913). Invitae Evidence Modeling of protein sequence and biophysical properties (such as structural, functional, and spatial information, amino acid conservation, physicochemical variation, residue mobility, and thermodynamic stability) indicates that this missense variant is not expected to disrupt FAR1 protein function with a negative predictive value of 80%. In summary, the available evidence is currently insufficient to determine the role of this variant in disease. Therefore, it has been classified as a Variant of Uncertain Significance.

Ambry Genetics
Classification: Uncertain significance for Inborn genetic diseases. Last evaluated: 2023-10-14. Review status: criteria provided, single submitter. Criteria: Ambry Variant Classification Scheme 2023. Collection method: clinical testing. Allele origin: germline.